The following is an entry in ClinVar:

NM_001710.6(CFB):c.349C>T (p.Arg117Trp)

Gene: CFB (complement factor B; plus strand). Cytogenetic location: 6p21.33.
Variant type: single nucleotide variant.
Coding change: c.349C>T on transcript NM_001710.6 (MANE Select); coding-DNA position 349, C replaced by T.
Protein change: p.Arg117Trp; replaces arginine 117 with tryptophan.
Molecular consequence: missense variant.
Genome position (GRCh38, 1-based): chr6:31,947,057, C>T. VCF-style: chr6-31947057-C-T. GRCh37 (hg19) VCF-style: chr6-31914834-C-T.
Other names: c.349C>T (NM_001710.5); short protein forms R117W.
Identifiers: ClinVar variation 1347205 (VCV001347205.7), dbSNP rs753544438, ClinGen allele CA136893714.
Genomic context (GRCh38, chr6:31,947,057, plus strand): 5'-CTTCTCAAAGCAATCCACTGTCCAAGACCACACGACTTCGAGAACGGGGAATACTGGCCC[C>T]GGTCTCCCTACTACAATGTGAGTGATGAGATCTCTTTCCACTGCTATGACGGTTACACTC-3'
Protein context (NP_001701.2, residues 107-127): HDFENGEYWP[Arg117Trp]SPYYNVSDEI

ClinVar aggregate classification (germline): Uncertain significance. Review status: criteria provided, multiple submitters, no conflicts (2 of 4 stars). 2 submissions from 2 submitters: Uncertain significance (2). Last evaluated 2025-10-07.

Conditions:
Inborn genetic diseases. Identifiers: MedGen C0950123, MeSH D030342.

Allele frequency attached by ClinVar (database versions not stated): gnomAD exomes 0.00001.
gnomAD v4.1: 11 of 1,612,862 alleles (0.00068%); highest among the groups gnomAD compares: South Asian, 0.0066%; no homozygotes.

Submissions (2):

Ambry Genetics
Classification: Uncertain significance for Inborn genetic diseases. Last evaluated: 2025-10-07. Review status: criteria provided, single submitter. Criteria: Ambry Variant Classification Scheme 2023. Collection method: clinical testing. Allele origin: germline.

Labcorp Genetics (formerly Invitae), Labcorp
Classification: Uncertain significance. Last evaluated: 2021-10-21. Review status: criteria provided, single submitter. Criteria: Invitae Variant Classification Sherloc (09022015). Collection method: clinical testing. Allele origin: germline.
Comment: This sequence change replaces arginine with tryptophan at codon 117 of the CFB protein (p.Arg117Trp). The arginine residue is highly conserved and there is a moderate physicochemical difference between arginine and tryptophan. This variant is not present in population databases (ExAC no frequency). This variant has not been reported in the literature in individuals affected with CFB-related conditions. Algorithms developed to predict the effect of missense changes on protein structure and function are either unavailable or do not agree on the potential impact of this missense change (SIFT: "Deleterious"; PolyPhen-2: "Benign"; Align-GVGD: "Class C0"). In summary, the available evidence is currently insufficient to determine the role of this variant in disease. Therefore, it has been classified as a Variant of Uncertain Significance.